The following is an entry in ClinVar:

NM_001876.4(CPT1A):c.167C>T (p.Pro56Leu)

Gene: CPT1A (carnitine palmitoyltransferase 1A; minus strand). Cytogenetic location: 11q13.3.
Variant type: single nucleotide variant.
Coding change: c.167C>T on transcript NM_001876.4 (MANE Select); coding-DNA position 167, C replaced by T.
Protein change: p.Pro56Leu; replaces proline 56 with leucine.
Molecular consequence: missense variant.
Genome position (GRCh38, 1-based): chr11:68,812,551, G>A on the plus strand (C>T on the coding strand, the complement: CPT1A is on the minus strand). VCF-style: chr11-68812551-G-A. GRCh37 (hg19) VCF-style: chr11-68580019-G-A.
Other names: c.167C>T, p.Pro56Leu (NM_001031847.3); short protein forms P56L.
Identifiers: ClinVar variation 872449 (VCV000872449.44), dbSNP rs1249954316, ClinGen allele CA381638140.

ClinVar aggregate classification (germline): Pathogenic/Likely pathogenic. Review status: criteria provided, multiple submitters, no conflicts (2 of 4 stars). 2 submissions from 2 submitters: Pathogenic (1); Likely pathogenic (1). Last evaluated 2025-06-02.

Conditions:
Carnitine palmitoyl transferase 1A deficiency. Also called: Carnitine palmitoyltransferase 1A deficiency; CPT I DEFICIENCY; CPT DEFICIENCY, HEPATIC, TYPE I; Carnitine palmitoyltransferase type I deficiency; CPT deficiency, hepatic, type IA. Identifiers: Orphanet 156, MedGen C1829703, MONDO:0009705, OMIM 255120.

Allele frequency attached by ClinVar (database versions not stated): gnomAD exomes below 0.00001; gnomAD 0.00001; TOPMed 0.00001.
gnomAD v4.1: 5 of 1,614,034 alleles (0.00031%); highest among the groups gnomAD compares: South Asian, 0.0011%; no homozygotes.

Submissions (2):

Labcorp Genetics (formerly Invitae), Labcorp
Classification: Likely pathogenic for Carnitine palmitoyl transferase 1A deficiency. Last evaluated: 2025-06-02. Review status: criteria provided, single submitter. Criteria: Invitae Variant Classification Sherloc (09022015). Collection method: clinical testing. Allele origin: germline.
Comment: This sequence change replaces proline, which is neutral and non-polar, with leucine, which is neutral and non-polar, at codon 56 of the CPT1A protein (p.Pro56Leu). This variant is present in population databases (no rsID available, gnomAD 0.003%). This missense change has been observed in individual(s) with carnitine palmitoyltransferase 1A deficiency (PMID: 23430868). ClinVar contains an entry for this variant (Variation ID: 872449). Invitae Evidence Modeling of protein sequence and biophysical properties (such as structural, functional, and spatial information, amino acid conservation, physicochemical variation, residue mobility, and thermodynamic stability) indicates that this missense variant is expected to disrupt CPT1A protein function with a positive predictive value of 95%. In summary, the currently available evidence indicates that the variant is pathogenic, but additional data are needed to prove that conclusively. Therefore, this variant has been classified as Likely Pathogenic.

CeGaT Center for Human Genetics Tuebingen
Classification: Pathogenic. Last evaluated: 2019-01-01. Review status: criteria provided, single submitter. Criteria: CeGaT Center For Human Genetics Tuebingen Variant Classification Criteria Version 2. Collection method: clinical testing. Allele origin: germline. Affected: yes. Observed: 3 variant alleles.

Literature cited by the submitters: PubMed 23430868 (cited by Labcorp Genetics (formerly Invitae), Labcorp).